The following is an entry in ClinVar:

ClinVar aggregate classification (germline): Conflicting classifications of pathogenicity. Review status: criteria provided, conflicting classifications (1 of 4 stars). 2 submissions from 2 submitters: Likely pathogenic (1); Uncertain significance (1). Last evaluated 2021-07-20.

Conditions:
Microcephaly 20, primary, autosomal recessive. Identifiers: MedGen C4693572, MONDO:0054761, OMIM 617914.

Submissions (2):

Women's Health and Genetics/Laboratory Corporation of America, LabCorp
Classification: Uncertain significance. Last evaluated: 2021-07-20. Review status: criteria provided, single submitter. Criteria: LabCorp Variant Classification Summary - May 2015. Collection method: clinical testing. Allele origin: germline.
Comment: Variant summary: KIF14 c.14G>T (p.Ser5Ile) results in a non-conservative amino acid change in the encoded protein sequence. Three of five in-silico tools predict a benign effect of the variant on protein function. The variant was absent in 244936 control chromosomes. The available data on variant occurrences in the general population are insufficient to allow any conclusion about variant significance. To our knowledge, no occurrence of c.14G>T in individuals affected with Joubert Syndrome And Related Disorders and no experimental evidence demonstrating its impact on protein function have been reported. One clinical diagnostic laboratory has submitted clinical-significance assessments for this variant to ClinVar after 2014 and classified the variant as likely pathogenic for primary autosomal recessive Microcephaly type 20 citing internal data on its presence in two homozygous affected brothers from a single family. Based on the evidence outlined above, until additional clinical and functional studies are reported, the variant was classified as uncertain significance.

Institute of Human Genetics, University of Goettingen
Classification: Likely pathogenic for Microcephaly 20, primary, autosomal recessive. Last evaluated: 2020-08-21. Review status: criteria provided, single submitter. Criteria: ACMG Guidelines, 2015. Collection method: clinical testing. Allele origin: inherited. Inheritance: Autosomal recessive inheritance. Affected: yes. Observed: 1 homozygote.
Comment: The KIF14 variant c.14G>T (p.(Ser5Ile)) is not found in known databases (ExAC or gnomAD), it affects a weakly conserved amino acid and there is a large physicochemical difference between Ser and Ile. In our institute the variant was found in homozygous state in two affected brothers matching the phonotype of primary, autosomal recessive microcephaly type 20. Thus, we consider this variant to be likely pathogenic. ACMG criteria used for classification: PM2, PP4, PP1_strong.

NM_014875.3(KIF14):c.14G>T (p.Ser5Ile)

Gene: KIF14 (kinesin family member 14; minus strand). Cytogenetic location: 1q32.1.
Variant type: single nucleotide variant.
Coding change: c.14G>T on transcript NM_014875.3 (MANE Select); coding-DNA position 14, G replaced by T.
Protein change: p.Ser5Ile; replaces serine 5 with isoleucine.
Molecular consequence: missense variant. On other transcripts: 5 prime UTR variant (1).
Genome position (GRCh38, 1-based): chr1:200,618,710, C>A on the plus strand (G>T on the coding strand, the complement: KIF14 is on the minus strand). VCF-style: chr1-200618710-C-A. GRCh37 (hg19) VCF-style: chr1-200587838-C-A.
Other names: c.-1372G>T (NM_001305792.1); short protein forms S5I.
Identifiers: ClinVar variation 978236 (VCV000978236.4), dbSNP rs1256629719, ClinGen allele CA344119508.